The following is an entry in ClinVar:

ClinVar aggregate classification (germline): Likely benign. Review status: criteria provided, multiple submitters, no conflicts (2 of 4 stars). 3 submissions from 3 submitters: Likely benign (2). 1 of the submissions does not count toward it. Last evaluated 2025-12-18.

Conditions:
MCM3AP-related disorder. Also called: MCM3AP-related condition.

Allele frequency attached by ClinVar (database versions not stated): gnomAD exomes 0.00007 and 0.00037; gnomAD 0.00011 and 0.00013; TOPMed 0.00023; ExAC 0.00034; 1000 Genomes Project 30x 0.00047; 1000 Genomes Project 0.00060.
gnomAD v4.1: 175 of 1,613,512 alleles (0.011%); highest among the groups gnomAD compares: East Asian, 0.27%; no homozygotes.

Submissions (3):

Labcorp Genetics (formerly Invitae), Labcorp
Classification: Likely benign. Last evaluated: 2025-12-18. Review status: criteria provided, single submitter. Criteria: Invitae Variant Classification Sherloc (09022015). Collection method: clinical testing. Allele origin: germline.

Women's Health and Genetics/Laboratory Corporation of America, LabCorp
Classification: Likely benign. Last evaluated: 2025-11-11. Review status: criteria provided, single submitter. Criteria: LabCorp Variant Classification Summary - May 2015. Collection method: clinical testing. Allele origin: germline.
Comment: Variant summary: MCM3AP c.5383G>A (p.Ala1795Thr) results in a non-conservative amino acid change in the encoded protein sequence. Algorithms developed to predict the effect of missense changes on protein structure and function are either unavailable or do not agree on the potential impact of this missense change. The variant allele was found at a frequency of 0.00037 in 251008 control chromosomes, predominantly at a frequency of 0.0048 within the East Asian subpopulation in the gnomAD database. The observed variant frequency within East Asian control individuals in the gnomAD database exceeds the estimated maximal expected allele frequency for disease-causing variants in MCM3AP. To our knowledge, no occurrence of c.5383G>A in individuals affected with MCM3AP-related conditions and no experimental evidence demonstrating its impact on protein function have been reported. ClinVar contains an entry for this variant (Variation ID: 1570347). Based on the evidence outlined above, the variant was classified as likely benign.

PreventionGenetics, part of Exact Sciences
Classification: Likely benign for MCM3AP-related condition. Last evaluated: 2022-10-04. Review status: no assertion criteria provided. Collection method: clinical testing. Allele origin: germline. Not counted in ClinVar's aggregate classification.
Comment: This variant is classified as likely benign based on ACMG/AMP sequence variant interpretation guidelines (Richards et al. 2015 PMID: 25741868, with internal and published modifications).

NM_003906.5(MCM3AP):c.5383G>A (p.Ala1795Thr)

Genes: MCM3AP (minichromosome maintenance complex component 3 associated protein; minus strand), MCM3AP-AS1 (MCM3AP antisense RNA 1; plus strand). Cytogenetic location: 21q22.3.
Variant type: single nucleotide variant.
Coding change: c.5383G>A on transcript NM_003906.5 (MANE Select); coding-DNA position 5383, G replaced by A.
Protein change: p.Ala1795Thr; replaces alanine 1795 with threonine.
Molecular consequence: missense variant. On other transcripts: non-coding transcript variant (2).
Genome position (GRCh38, 1-based): chr21:46,242,845, C>T on the plus strand (G>A on the coding strand, the complement: MCM3AP is on the minus strand). VCF-style: chr21-46242845-C-T. GRCh37 (hg19) VCF-style: chr21-47662759-C-T.
Other names: c.5383G>A (NM_003906.4); short protein forms A1795T.
Identifiers: ClinVar variation 1570347 (VCV001570347.11), dbSNP rs17183290, ClinGen allele CA10075874.